The following is an entry in ClinVar:

NM_206933.4(USH2A):c.2599C>T (p.Gln867Ter)

Genes: USH2A (usherin; minus strand), LOC122152296 (Sharpr-MPRA regulatory region 8762; plus strand). Cytogenetic location: 1q41.
Variant type: single nucleotide variant.
Coding change: c.2599C>T on transcript NM_206933.4 (MANE Select); coding-DNA position 2599, C replaced by T.
Protein change: p.Gln867Ter; replaces glutamine 867 with a stop codon.
Molecular consequence: nonsense.
Genome position (GRCh38, 1-based): chr1:216,246,795, G>A on the plus strand (C>T on the coding strand, the complement: USH2A is on the minus strand). VCF-style: chr1-216246795-G-A. GRCh37 (hg19) VCF-style: chr1-216420137-G-A.
Other names: c.2599C>T, p.Gln867Ter (NM_007123.6); short protein forms Q867*.
Identifiers: ClinVar variation 850436 (VCV000850436.10), dbSNP rs2036056925, ClinGen allele CA344864450.
Genomic context (GRCh38, chr1:216,246,795, plus strand): 5'-ACCTGTGAGGCTCACACTGATTACAGCGAAGACCTGTTACCCCTAATTTGCAAGGACATT[G>A]TCCTGTTGATTTGTTACACAGCAGAGAGCCATTTATTGTCCCAGTCTTATCACAGTTGCA-3'

ClinVar aggregate classification (germline): Pathogenic. Review status: criteria provided, multiple submitters, no conflicts (2 of 4 stars). 2 submissions from 2 submitters: Pathogenic (2). Last evaluated 2026-06-01.

Submissions (2):

CeGaT Center for Human Genetics Tuebingen
Classification: Pathogenic. Last evaluated: 2026-06-01. Review status: criteria provided, single submitter. Criteria: CeGaT Center For Human Genetics Tuebingen Variant Classification Criteria Version 2. Collection method: clinical testing. Allele origin: germline. Affected: yes. Observed: 1 variant allele.
Comment: USH2A: PVS1, PM2, PM3

Labcorp Genetics (formerly Invitae), Labcorp
Classification: Pathogenic. Last evaluated: 2019-11-20. Review status: criteria provided, single submitter. Criteria: Invitae Variant Classification Sherloc (09022015). Collection method: clinical testing. Allele origin: germline.
Comment: This variant has not been reported in the literature in individuals with USH2A-related conditions. For these reasons, this variant has been classified as Pathogenic. Loss-of-function variants in USH2A are known to be pathogenic (PMID: 10729113, 10909849, 20507924, 25649381). This variant is not present in population databases (ExAC no frequency). This sequence change creates a premature translational stop signal (p.Gln867*) in the USH2A gene. It is expected to result in an absent or disrupted protein product.

Literature cited by the submitters: PubMed 10729113 (cited by Labcorp Genetics (formerly Invitae), Labcorp); PubMed 10909849 (cited by Labcorp Genetics (formerly Invitae), Labcorp); PubMed 20507924 (cited by Labcorp Genetics (formerly Invitae), Labcorp); PubMed 25649381 (cited by Labcorp Genetics (formerly Invitae), Labcorp).